The following is an entry in ClinVar:

ClinVar aggregate classification (germline): Uncertain significance (1 of 4 stars; one submission).

gnomAD v4.1: 3 of 1,613,974 alleles (0.00019%); highest among the groups gnomAD compares: Admixed American, 0.005%; no homozygotes.

Submission:

Labcorp Genetics (formerly Invitae), Labcorp
Classification: Uncertain significance. Last evaluated: 2024-09-17. Review status: criteria provided, single submitter. Criteria: Invitae Variant Classification Sherloc (09022015). Collection method: clinical testing. Allele origin: germline.
Comment: This sequence change replaces arginine, which is basic and polar, with lysine, which is basic and polar, at codon 775 of the NALCN protein (p.Arg775Lys). This variant is present in population databases (rs749976585, gnomAD 0.01%). This variant has not been reported in the literature in individuals affected with NALCN-related conditions. Invitae Evidence Modeling of protein sequence and biophysical properties (such as structural, functional, and spatial information, amino acid conservation, physicochemical variation, residue mobility, and thermodynamic stability) indicates that this missense variant is not expected to disrupt NALCN protein function with a negative predictive value of 80%. In summary, the available evidence is currently insufficient to determine the role of this variant in disease. Therefore, it has been classified as a Variant of Uncertain Significance.

NM_052867.4(NALCN):c.2324G>A (p.Arg775Lys)

Gene: NALCN (sodium leak channel, non-selective; minus strand). Cytogenetic location: 13q33.1.
Variant type: single nucleotide variant.
Coding change: c.2324G>A on transcript NM_052867.4 (MANE Select); coding-DNA position 2324, G replaced by A.
Protein change: p.Arg775Lys; replaces arginine 775 with lysine.
Molecular consequence: missense variant.
Genome position (GRCh38, 1-based): chr13:101,110,659, C>T on the plus strand (G>A on the coding strand, the complement: NALCN is on the minus strand). VCF-style: chr13-101110659-C-T. GRCh37 (hg19) VCF-style: chr13-101763010-C-T.
Other names: c.2411G>A, p.Arg804Lys (NM_001350748.2); c.2324G>A, p.Arg775Lys (NM_001350749.2); c.2237G>A, p.Arg746Lys (NM_001350750.2, NM_001350751.2); short protein forms R746K, R775K, R804K.
Identifiers: ClinVar variation 3612516 (VCV003612516.2).